The following is an entry in ClinVar:

NM_000094.4(COL7A1):c.6413G>A (p.Gly2138Glu)

Gene: COL7A1 (collagen type VII alpha 1 chain; minus strand). Cytogenetic location: 3p21.31.
Variant type: single nucleotide variant.
Coding change: c.6413G>A on transcript NM_000094.4 (MANE Select); coding-DNA position 6413, G replaced by A.
Protein change: p.Gly2138Glu; replaces glycine 2138 with glutamic acid.
Molecular consequence: missense variant.
Genome position (GRCh38, 1-based): chr3:48,574,531, C>T on the plus strand (G>A on the coding strand, the complement: COL7A1 is on the minus strand). VCF-style: chr3-48574531-C-T. GRCh37 (hg19) VCF-style: chr3-48611964-C-T.
Other names: short protein forms G2138E.
Identifiers: ClinVar variation 2096324 (VCV002096324.1), dbSNP rs2530948492, ClinGen allele CA352658656.

ClinVar aggregate classification (germline): Uncertain significance (1 of 4 stars; one submission).

Allele frequency attached by ClinVar (database versions not stated): gnomAD exomes below 0.00001.
gnomAD v4.1: 3 of 1,614,048 alleles (0.00019%); highest among the groups gnomAD compares: South Asian, 0.0022%; no homozygotes.

Submission:

Labcorp Genetics (formerly Invitae), Labcorp
Classification: Uncertain significance. Last evaluated: 2022-02-11. Review status: criteria provided, single submitter. Criteria: Invitae Variant Classification Sherloc (09022015). Collection method: clinical testing. Allele origin: germline.
Comment: This sequence change replaces glycine, which is neutral and non-polar, with glutamic acid, which is acidic and polar, at codon 2138 of the COL7A1 protein (p.Gly2138Glu). This variant is not present in population databases (gnomAD no frequency). This variant has not been reported in the literature in individuals affected with COL7A1-related conditions. Advanced modeling of protein sequence and biophysical properties (such as structural, functional, and spatial information, amino acid conservation, physicochemical variation, residue mobility, and thermodynamic stability) performed at Invitae indicates that this missense variant is expected to disrupt COL7A1 protein function. In summary, the available evidence is currently insufficient to determine the role of this variant in disease. Therefore, it has been classified as a Variant of Uncertain Significance.